The following is an entry in ClinVar:

NM_000059.4(BRCA2):c.-50C>T

Genes: BRCA2 (BRCA2 DNA repair associated; plus strand), LOC106721785 (BRCA2 promoter/silencer region; plus strand). Cytogenetic location: 13q13.1.
Variant type: single nucleotide variant.
Coding change: c.-50C>T on transcript NM_000059.4 (MANE Select); 50 bases upstream of the start codon, C replaced by T.
Molecular consequence: 5 prime UTR variant. On other transcripts: non-coding transcript variant (1), intron variant (1).
Genome position (GRCh38, 1-based): chr13:32,315,657, C>T. VCF-style: chr13-32315657-C-T. GRCh37 (hg19) VCF-style: chr13-32889794-C-T.
Other names: c.-50C>T (NM_001406719.1, NM_001406720.1, NM_001406721.1); c.-313C>T (NM_001406722.1); c.-40+512C>T (NM_001432077.1).
Identifiers: ClinVar variation 3673190 (VCV003673190.2).

ClinVar aggregate classification (germline): Uncertain significance (1 of 4 stars; one submission).

Conditions:
Hereditary breast ovarian cancer syndrome. Also called: Hereditary breast and ovarian cancer syndrome (HBOC); BRCA1- and BRCA2-Associated Hereditary Breast and Ovarian Cancer; Hereditary breast and/or ovarian cancer syndrome; Hereditary breast and ovarian cancer; Breast and ovarian cancer; Hereditary breast and ovarian cancer syndrome. Identifiers: Orphanet 145, MedGen C0677776, MeSH D061325, MONDO:0003582. Disease mechanism: loss of function.

Submission:

Labcorp Genetics (formerly Invitae), Labcorp
Classification: Uncertain significance for Hereditary breast ovarian cancer syndrome. Last evaluated: 2025-07-09. Review status: criteria provided, single submitter. Criteria: Invitae Variant Classification Sherloc (09022015). Collection method: clinical testing. Allele origin: germline.
Comment: This variant occurs in a non-coding region of the BRCA2 gene. It does not change the encoded amino acid sequence of the BRCA2 protein. This variant is not present in population databases (gnomAD no frequency). This variant has not been reported in the literature in individuals affected with BRCA2-related conditions. ClinVar contains an entry for this variant (Variation ID: 3673190). Experimental studies and prediction algorithms are not available or were not evaluated, and the functional significance of this variant is currently unknown. In summary, the available evidence is currently insufficient to determine the role of this variant in disease. Therefore, it has been classified as a Variant of Uncertain Significance.